The following is an entry in ClinVar:

NM_001271938.2(MEGF8):c.4152C>T (p.Leu1384=)

Gene: MEGF8 (multiple EGF like domains 8; plus strand). Cytogenetic location: 19q13.2.
Variant type: single nucleotide variant.
Coding change: c.4152C>T on transcript NM_001271938.2 (MANE Select); coding-DNA position 4152, C replaced by T.
Protein change: p.Leu1384=; no amino-acid change (leucine 1384 retained).
Molecular consequence: synonymous variant.
Genome position (GRCh38, 1-based): chr19:42,355,765, C>T. VCF-style: chr19-42355765-C-T. GRCh37 (hg19) VCF-style: chr19-42859917-C-T.
Other names: c.3951C>T, p.Leu1317= (NM_001410.3).
Identifiers: ClinVar variation 766783 (VCV000766783.35), dbSNP rs34225188, ClinGen allele CA9475194.

ClinVar aggregate classification (germline): Benign/Likely benign. Review status: criteria provided, multiple submitters, no conflicts (2 of 4 stars). 4 submissions from 4 submitters: Benign (2); Likely benign (2). Last evaluated 2026-03-01.

Conditions:
MEGF8-related Carpenter syndrome. Also called: Carpenter syndrome 2. Identifiers: Orphanet 65759, MedGen C3554247, MONDO:0013998, OMIM 614976.

Allele frequency attached by ClinVar (database versions not stated): gnomAD 0.00052 and 0.00055; ESP Exome Variant Server 0.00054; 1000 Genomes Project 0.00060; 1000 Genomes Project 30x 0.00062; TOPMed 0.00079; gnomAD exomes 0.00081; ExAC 0.00155.
gnomAD v4.1: 1,073 of 1,578,492 alleles (0.068%); highest among the groups gnomAD compares: Middle Eastern, 0.45%; 1 homozygote.

Submissions (4):

CeGaT Center for Human Genetics Tuebingen
Classification: Likely benign. Last evaluated: 2026-03-01. Review status: criteria provided, single submitter. Criteria: CeGaT Center For Human Genetics Tuebingen Variant Classification Criteria Version 2. Collection method: clinical testing. Allele origin: germline. Affected: yes. Observed: 5 variant alleles.
Comment: MEGF8: BP4, BP7

Labcorp Genetics (formerly Invitae), Labcorp
Classification: Benign for MEGF8-related Carpenter syndrome. Last evaluated: 2026-01-12. Review status: criteria provided, single submitter. Criteria: Invitae Variant Classification Sherloc (09022015). Collection method: clinical testing. Allele origin: germline.

Blueprint Genetics
Classification: Likely benign. Last evaluated: 2024-10-29. Review status: criteria provided, single submitter. Criteria: ACMG Guidelines, 2015. Collection method: clinical testing. Allele origin: germline.

Breakthrough Genomics
Classification: Benign. Review status: criteria provided, single submitter. Criteria: ACMG Guidelines, 2015. Collection method: not provided. Allele origin: germline. Inheritance: Autosomal recessive inheritance. Affected: yes.